The following is an entry in ClinVar:

NM_000094.4(COL7A1):c.8221C>T (p.Gln2741Ter)

Gene: COL7A1 (collagen type VII alpha 1 chain; minus strand). Cytogenetic location: 3p21.31.
Variant type: single nucleotide variant.
Coding change: c.8221C>T on transcript NM_000094.4 (MANE Select); coding-DNA position 8221, C replaced by T.
Protein change: p.Gln2741Ter; replaces glutamine 2741 with a stop codon.
Molecular consequence: nonsense.
Genome position (GRCh38, 1-based): chr3:48,566,912, G>A on the plus strand (C>T on the coding strand, the complement: COL7A1 is on the minus strand). VCF-style: chr3-48566912-G-A. GRCh37 (hg19) VCF-style: chr3-48604345-G-A.
Other names: short protein forms Q2741*.
Identifiers: ClinVar variation 5013592 (VCV005013592.1).

ClinVar aggregate classification (germline): Pathogenic (1 of 4 stars; one submission).

Conditions:
Recessive dystrophic epidermolysis bullosa (RDEB). Also called: DYSTROPHIC EPIDERMOLYSIS BULLOSA, AUTOSOMAL RECESSIVE; EPIDERMOLYSIS BULLOSA DYSTROPHICA, HALLOPEAU-SIEMENS TYPE; Hallopeau-Siemens Disease; severe generalized recessive dystrophic epidermolysis bullosa; EPIDERMOLYSIS BULLOSA DYSTROPHICA, GENERALIZED SEVERE, AUTOSOMAL RECESSIVE; Epidermolysis Bullosa Distrophica Autosomal Recessive (RDEB). Identifiers: Orphanet 79408, Orphanet 79409, MedGen C0079474, MONDO:0009179, OMIM 226600.

gnomAD v4.1: 1 of 1,602,798 alleles (0.000062%); no homozygotes.

Submission:

Myriad Genetics, Inc.
Classification: Pathogenic for Recessive dystrophic epidermolysis bullosa. Last evaluated: 2024-09-29. Review status: criteria provided, single submitter. Criteria: Myriad Autosomal Dominant, Autosomal Recessive and X-Linked Classification Criteria (2023). Collection method: clinical testing. Allele origin: unknown.
Comment: NM_000094.3(COL7A1):c.8221C>T(Q2741*) is expected to be pathogenic in the context of dystrophic epidermolysis bullosa. This variant is predicted to lead to an abnormal or absent protein product due to the creation of a premature termination codon in COL7A1, a gene where loss-of-function variants are known to be pathogenic. Please note: this variant was assessed in the context of healthy population screening.